The following is an entry in ClinVar:

NM_003664.5(AP3B1):c.911C>T (p.Thr304Ile)

Gene: AP3B1 (adaptor related protein complex 3 subunit beta 1; minus strand). Cytogenetic location: 5q14.1.
Variant type: single nucleotide variant.
Coding change: c.911C>T on transcript NM_003664.5 (MANE Select); coding-DNA position 911, C replaced by T.
Protein change: p.Thr304Ile; replaces threonine 304 with isoleucine.
Molecular consequence: missense variant.
Genome position (GRCh38, 1-based): chr5:78,181,538, G>A on the plus strand (C>T on the coding strand, the complement: AP3B1 is on the minus strand). VCF-style: chr5-78181538-G-A. GRCh37 (hg19) VCF-style: chr5-77477362-G-A.
Other names: c.764C>T, p.Thr255Ile (NM_001271769.2); short protein forms T304I, T255I.
Identifiers: ClinVar variation 1439608 (VCV001439608.5), dbSNP rs201075567, ClinGen allele CA3317261.

ClinVar aggregate classification (germline): Uncertain significance (1 of 4 stars; one submission).

Conditions:
Hermansky-Pudlak syndrome 2 (HPS2). Also called: Platelet defects and oculocutaneous albinism. Identifiers: Orphanet 183678, Orphanet 79430, MedGen C1842362, MONDO:0011997, OMIM 608233.

Allele frequency attached by ClinVar (database versions not stated): gnomAD 0.00001 and 0.00003; TOPMed 0.00001; ExAC 0.00002; gnomAD exomes 0.00006; 1000 Genomes Project 30x 0.00078; 1000 Genomes Project 0.00080.
gnomAD v4.1: 26 of 1,613,044 alleles (0.0016%); highest among the groups gnomAD compares: East Asian, 0.042%; no homozygotes.

Submission:

Labcorp Genetics (formerly Invitae), Labcorp
Classification: Uncertain significance for Hermansky-Pudlak syndrome 2. Last evaluated: 2021-08-31. Review status: criteria provided, single submitter. Criteria: Invitae Variant Classification Sherloc (09022015). Collection method: clinical testing. Allele origin: germline.
Comment: This sequence change replaces threonine with isoleucine at codon 304 of the AP3B1 protein (p.Thr304Ile). The threonine residue is moderately conserved and there is a moderate physicochemical difference between threonine and isoleucine. This variant is present in population databases (rs201075567, ExAC 0.02%). This variant has not been reported in the literature in individuals affected with AP3B1-related conditions. Algorithms developed to predict the effect of missense changes on protein structure and function (SIFT, PolyPhen-2, Align-GVGD) all suggest that this variant is likely to be tolerated. In summary, the available evidence is currently insufficient to determine the role of this variant in disease. Therefore, it has been classified as a Variant of Uncertain Significance.